The following is an entry in ClinVar:

NM_000214.3(JAG1):c.1563_1564del (p.Cys522fs)

Gene: JAG1 (jagged canonical Notch ligand 1; minus strand). Cytogenetic location: 20p12.2.
Variant type: Microsatellite.
Coding change: c.1563_1564del on transcript NM_000214.3 (MANE Select); coding-DNA positions 1563 to 1564, 2 bases deleted (CT; older notation c.1563_1564delCT).
Protein change: p.Cys522fs; shifts the reading frame from cysteine 522.
Molecular consequence: frameshift variant.
Genome position (GRCh38, 1-based): chr20:10,648,554-10,648,555, AG deleted on the plus strand (CT on the coding strand, the reverse complement: JAG1 is on the minus strand); deleting any 2 consecutive bases within chr20:10,648,554-10,648,557 gives the same sequence; the c. name uses the placement nearest the transcript's 3' end. VCF-style (leftmost placement, unchanged base first): chr20-10648553-CAG-C. GRCh37 (hg19) VCF-style: chr20-10629201-CAG-C.
Other names: c.1563_1564delCT (NM_000214.2); short protein forms C522fs.
Identifiers: ClinVar variation 958804 (VCV000958804.14), dbSNP rs2067324506, ClinGen allele CA2349884229.

ClinVar aggregate classification (germline): Pathogenic. Review status: criteria provided, multiple submitters, no conflicts (2 of 4 stars). 4 submissions from 4 submitters: Pathogenic (4). Last evaluated 2025-06-28.

Conditions:
JAG1-related disorder. Also called: JAG1-related condition; JAG1-related disorders.
Cardiovascular phenotype. Identifiers: MedGen CN230736.
Alagille syndrome due to a JAG1 point mutation. Also called: Alagille Syndrome 1; HEPATIC DUCTULAR HYPOPLASIA, SYNDROMATIC; JAG1-Related Alagille Syndrome. Identifiers: Orphanet 261619, Orphanet 52, MedGen C1956125, MONDO:0016862, OMIM 118450.

Submissions (4):

Immunogenetics and Transplant Biology Service, University Hospital "Città della Salute e della Scienza di Torino"
Classification: Pathogenic for Alagille syndrome due to a JAG1 point mutation. Last evaluated: 2025-06-28. Review status: criteria provided, single submitter. Criteria: ACMG Guidelines, 2015. Collection method: clinical testing. Allele origin: germline. Affected: yes.

Ambry Genetics
Classification: Pathogenic for Cardiovascular phenotype. Last evaluated: 2024-04-02. Review status: criteria provided, single submitter. Criteria: Ambry Variant Classification Scheme 2023. Collection method: clinical testing. Allele origin: germline.
Comment: The c.1563_1564delCT (p.C522Sfs*8) alteration, located in exon 12 (coding exon 12) of the JAG1 gene, consists of a deletion of 2 nucleotides from position 1563 to 1564, causing a translational frameshift with a predicted alternate stop codon after 8 amino acids. This alteration is expected to result in loss of function by premature protein truncation or nonsense-mediated mRNA decay. This variant was not reported in population-based cohorts in the Genome Aggregation Database (gnomAD). This variant was reported in multiple individuals who met clinical criteria for Alagille syndrome (Warthen, 2006; Liu, 2018). Based on the available evidence, this alteration is classified as pathogenic.

Labcorp Genetics (formerly Invitae), Labcorp
Classification: Pathogenic for Alagille syndrome due to a JAG1 point mutation. Last evaluated: 2019-11-10. Review status: criteria provided, single submitter. Criteria: Invitae Variant Classification Sherloc (09022015). Collection method: clinical testing. Allele origin: germline.
Comment: For these reasons, this variant has been classified as Pathogenic. Loss-of-function variants in JAG1 are known to be pathogenic (PMID: 11180599). This variant has been observed in individuals affected with Alagille syndrome (PMID: 16575836, 30074189). This variant is not present in population databases (ExAC no frequency). This sequence change creates a premature translational stop signal (p.Cys522Serfs*8) in the JAG1 gene. It is expected to result in an absent or disrupted protein product.

Blueprint Genetics
Classification: Pathogenic for JAG1-related disorders. Last evaluated: 2019-09-26. Review status: criteria provided, single submitter. Criteria: ACMG Guidelines, 2015. Collection method: clinical testing. Allele origin: germline. Affected: yes. Observed: 1 variant allele.

Literature cited by the submitters: PubMed 16575836 (cited by Ambry Genetics and Labcorp Genetics (formerly Invitae), Labcorp); PubMed 30074189 (cited by Ambry Genetics and Labcorp Genetics (formerly Invitae), Labcorp); PubMed 11180599 (cited by Labcorp Genetics (formerly Invitae), Labcorp).